The following is an entry in ClinVar:

NM_001244008.2(KIF1A):c.4324C>T (p.Gln1442Ter)

Gene: KIF1A (kinesin family member 1A; minus strand). Cytogenetic location: 2q37.3.
Variant type: single nucleotide variant.
Coding change: c.4324C>T on transcript NM_001244008.2 (MANE Select); coding-DNA position 4324, C replaced by T.
Protein change: p.Gln1442Ter; replaces glutamine 1442 with a stop codon.
Molecular consequence: nonsense.
Genome position (GRCh38, 1-based): chr2:240,723,553, G>A on the plus strand (C>T on the coding strand, the complement: KIF1A is on the minus strand). VCF-style: chr2-240723553-G-A. GRCh37 (hg19) VCF-style: chr2-241662970-G-A.
Other names: c.4048C>T, p.Gln1350Ter (NM_001320705.2, NM_001379649.1); c.4075C>T, p.Gln1359Ter (NM_001330289.2); c.4123C>T, p.Gln1375Ter (NM_001330290.2, NM_001379648.1); c.4399C>T, p.Gln1467Ter (NM_001379631.1); c.4300C>T, p.Gln1434Ter (NM_001379632.1); c.4297C>T, p.Gln1433Ter (NM_001379633.1, NM_001379645.1); c.4150C>T, p.Gln1384Ter (NM_001379634.1); c.4147C>T, p.Gln1383Ter (NM_001379635.1, NM_001379646.1); and 7 more; short protein forms Q1341*, Q1379*, Q1383*, Q1433*, Q1434*, Q1442*, Q1467*, Q1358*.
Identifiers: ClinVar variation 2951200 (VCV002951200.3), dbSNP rs2536723934, ClinGen allele CA351305704.
Genomic context (GRCh38, chr2:240,723,553, plus strand): 5'-GGTTCTCCTCGCCCCGGACATAGGCCACAGATGTGTCCAGGACTCGTCGGCGCCGGCGCT[G>A]CATCCCTGCATGGGGCACGTGGACATTCCACCCCTACCTGATGGGTGGCTGCTCCTCCCA-3'

ClinVar aggregate classification (germline): Pathogenic (1 of 4 stars; one submission).

Conditions:
Neuropathy, hereditary sensory, type 2C. Also called: KIF1A-Related HSAN2 (HSAN2C); Hereditary sensory and autonomic neuropathy type IIC. Identifiers: Orphanet 970, MedGen C3280168, MONDO:0013634, OMIM 614213.
Hereditary spastic paraplegia 30. Identifiers: Orphanet 101010, MedGen C5235139, MONDO:0012476.
Intellectual disability, autosomal dominant 9 (NESCAVS). Also called: NESCAV SYNDROME; KIF1A-Related Neurodevelopmental Disorder. Identifiers: Orphanet 662367, MedGen C5393830, MONDO:0013656, OMIM 614255.

Submission:

Labcorp Genetics (formerly Invitae), Labcorp
Classification: Pathogenic for Hereditary spastic paraplegia 30; Neuropathy, hereditary sensory, type 2C; Intellectual disability, autosomal dominant 9. Last evaluated: 2024-03-07. Review status: criteria provided, single submitter. Criteria: Invitae Variant Classification Sherloc (09022015). Collection method: clinical testing. Allele origin: germline.
Comment: This sequence change creates a premature translational stop signal (p.Gln1341*) in the KIF1A gene. It is expected to result in an absent or disrupted protein product. Loss-of-function variants in KIF1A are known to be pathogenic (PMID: 21820098). This variant is not present in population databases (gnomAD no frequency). This variant has not been reported in the literature in individuals affected with KIF1A-related conditions. For these reasons, this variant has been classified as Pathogenic.

Literature cited by the submitters: PubMed 21820098.